The following is an entry in ClinVar:

ClinVar aggregate classification (germline): Uncertain significance. Review status: criteria provided, multiple submitters, no conflicts (2 of 4 stars). 2 submissions from 2 submitters: Uncertain significance (2). Last evaluated 2023-08-09.

Conditions:
Hypertrophic cardiomyopathy 14. Identifiers: MedGen C2750467, MONDO:0013197, OMIM 613251.

Submissions (2):

GeneDx
Classification: Uncertain significance. Last evaluated: 2023-08-09. Review status: criteria provided, single submitter. Criteria: GeneDx Variant Classification Process June 2021. Collection method: clinical testing. Allele origin: germline. Affected: yes.
Comment: Has not been previously published as pathogenic or benign to our knowledge; Not observed at significant frequency in large population cohorts (gnomAD); In silico analysis supports that this missense variant has a deleterious effect on protein structure/function

Labcorp Genetics (formerly Invitae), Labcorp
Classification: Uncertain significance for Hypertrophic cardiomyopathy 14. Last evaluated: 2022-10-29. Review status: criteria provided, single submitter. Criteria: Invitae Variant Classification Sherloc (09022015). Collection method: clinical testing. Allele origin: germline.
Comment: Advanced modeling of protein sequence and biophysical properties (such as structural, functional, and spatial information, amino acid conservation, physicochemical variation, residue mobility, and thermodynamic stability) performed at Invitae indicates that this missense variant is not expected to disrupt MYH6 protein function. This variant has not been reported in the literature in individuals affected with MYH6-related conditions. This variant is not present in population databases (gnomAD no frequency). In summary, the available evidence is currently insufficient to determine the role of this variant in disease. Therefore, it has been classified as a Variant of Uncertain Significance. This sequence change replaces aspartic acid, which is acidic and polar, with glutamic acid, which is acidic and polar, at codon 888 of the MYH6 protein (p.Asp888Glu).

NM_002471.4(MYH6):c.2664C>A (p.Asp888Glu)

Gene: MYH6 (myosin heavy chain 6; minus strand). Cytogenetic location: 14q11.2.
Variant type: single nucleotide variant.
Coding change: c.2664C>A on transcript NM_002471.4 (MANE Select); coding-DNA position 2664, C replaced by A.
Protein change: p.Asp888Glu; replaces aspartic acid 888 with glutamic acid.
Molecular consequence: missense variant.
Genome position (GRCh38, 1-based): chr14:23,394,089, G>T on the plus strand (C>A on the coding strand, the complement: MYH6 is on the minus strand). VCF-style: chr14-23394089-G-T. GRCh37 (hg19) VCF-style: chr14-23863298-G-T.
Other names: short protein forms D888E.
Identifiers: ClinVar variation 2575883 (VCV002575883.4), dbSNP rs755699724, ClinGen allele CA389013762.
Genomic context (GRCh38, chr14:23,394,089, plus strand): 5'-GGGGAGGAGAGGGCTGAAGAGATAATCACGTGGCCTCACCGCCTGCACTTGGAGCTGCAG[G>T]TCATTCTTCTCCTGCAGCAGGGACACCATCTTCTCCTCCAGCTCCTTGCGGCGAGCCTCG-3'
Protein context (NP_002462.2, residues 878-898): KMVSLLQEKN[Asp888Glu]LQLQVQAEQD